The following is an entry in ClinVar:

NM_015450.3(POT1):c.1072C>T (p.Gln358Ter)

Gene: POT1 (protection of telomeres 1; minus strand). Cytogenetic location: 7q31.33.
Variant type: single nucleotide variant.
Coding change: c.1072C>T on transcript NM_015450.3 (MANE Select); coding-DNA position 1072, C replaced by T.
Protein change: p.Gln358Ter; replaces glutamine 358 with a stop codon.
Molecular consequence: nonsense. On other transcripts: non-coding transcript variant (3).
Genome position (GRCh38, 1-based): chr7:124,842,898, G>A on the plus strand (C>T on the coding strand, the complement: POT1 is on the minus strand). VCF-style: chr7-124842898-G-A. GRCh37 (hg19) VCF-style: chr7-124482952-G-A.
Other names: c.679C>T, p.Gln227Ter (NM_001042594.2); short protein forms Q358*, Q227*.
Identifiers: ClinVar variation 846949 (VCV000846949.8), dbSNP rs1562981898, ClinGen allele CA369068434.

ClinVar aggregate classification (germline): Pathogenic (1 of 4 stars; one submission).

Conditions:
Tumor predisposition syndrome 3 (TPDS3). Also called: Glioma susceptibility 9; LONG TELOMERE SYNDROME, POT1-RELATED; POT1 Tumor Predisposition; Melanoma, cutaneous malignant, susceptibility to, 10. Identifiers: Orphanet 618, MedGen C4014476, MONDO:0014368, OMIM 615848.

gnomAD v4.1: 1 of 1,609,080 alleles (0.000062%); highest among the groups gnomAD compares: Non-Finnish European, 0.000085%; no homozygotes.

Submission:

Labcorp Genetics (formerly Invitae), Labcorp
Classification: Pathogenic for Tumor predisposition syndrome 3. Last evaluated: 2022-03-04. Review status: criteria provided, single submitter. Criteria: Invitae Variant Classification Sherloc (09022015). Collection method: clinical testing. Allele origin: germline.
Comment: For these reasons, this variant has been classified as Pathogenic. ClinVar contains an entry for this variant (Variation ID: 846949). This variant has not been reported in the literature in individuals affected with POT1-related conditions. This variant is not present in population databases (gnomAD no frequency). This sequence change creates a premature translational stop signal (p.Gln358*) in the POT1 gene. It is expected to result in an absent or disrupted protein product. Loss-of-function variants in POT1 are known to be pathogenic (PMID: 32155570).

Literature cited by the submitters: PubMed 32155570.